The following is an entry in ClinVar:

ClinVar aggregate classification (germline): Likely benign. Review status: criteria provided, single submitter (1 of 4 stars). 2 submissions from 2 submitters: Likely benign (1). 1 of the submissions does not count toward it. Last evaluated 2023-05-19.

Conditions:
QRICH2-related disorder. Also called: QRICH2-related condition.

Allele frequency attached by ClinVar (database versions not stated): gnomAD exomes 0.00018; ExAC 0.00048; ESP Exome Variant Server 0.00123; 1000 Genomes Project 30x 0.00172; gnomAD 0.00173; 1000 Genomes Project 0.00180; TOPMed 0.00203.
gnomAD v4.1: 538 of 1,614,108 alleles (0.033%); highest among the groups gnomAD compares: African/African-American, 0.67%; 1 homozygote.

Submissions (2):

Blueprint Genetics
Classification: Likely benign. Last evaluated: 2023-05-19. Review status: criteria provided, single submitter. Criteria: ACMG Guidelines, 2015. Collection method: clinical testing. Allele origin: germline.

PreventionGenetics, part of Exact Sciences
Classification: Benign for QRICH2-related condition. Last evaluated: 2019-07-16. Review status: no assertion criteria provided. Collection method: clinical testing. Allele origin: germline. Not counted in ClinVar's aggregate classification.
Comment: This variant is classified as benign based on ACMG/AMP sequence variant interpretation guidelines (Richards et al. 2015 PMID: 25741868, with internal and published modifications).

NM_001388453.1(QRICH2):c.1506G>A (p.Gln502=)

Gene: QRICH2 (glutamine rich 2; minus strand). Cytogenetic location: 17q25.1.
Variant type: single nucleotide variant.
Coding change: c.1506G>A on transcript NM_001388453.1 (MANE Select); coding-DNA position 1506, G replaced by A.
Protein change: p.Gln502=; no amino-acid change (glutamine 502 retained).
Molecular consequence: synonymous variant.
Genome position (GRCh38, 1-based): chr17:76,293,221, C>T on the plus strand (G>A on the coding strand, the complement: QRICH2 is on the minus strand). VCF-style: chr17-76293221-C-T. GRCh37 (hg19) VCF-style: chr17-74289302-C-T.
Other names: c.1506G>A, p.Gln502= (NM_032134.3).
Identifiers: ClinVar variation 3049534 (VCV003049534.3), dbSNP rs79383078, ClinGen allele CA8784283.